The following is an entry in ClinVar:

NM_014467.3(SRPX2):c.82+243C>T

Gene: SRPX2 (sushi repeat containing protein X-linked 2; plus strand). Cytogenetic location: Xq22.1.
Variant type: single nucleotide variant.
Coding change: c.82+243C>T on transcript NM_014467.3 (MANE Select); 243 bases into the intron after coding-DNA position 82, C replaced by T.
Molecular consequence: intron variant.
Genome position (GRCh38, 1-based): chrX:100,646,647, C>T. VCF-style: chrX-100646647-C-T. GRCh37 (hg19) VCF-style: chrX-99901644-C-T.
Identifiers: ClinVar variation 677499 (VCV000677499.1), dbSNP rs56259360, ClinGen allele CA333074790.
Genomic context (GRCh38, chrX:100,646,647, plus strand): 5'-ACAAGAGCTATTTGAAATAGGTGAAATAGGCCACACTAGTACAAACATGAGAAGGTTGGA[C>T]ATCACCTTTGAGGCCATTGTCTCACCTGCTTGTGCACTTAGCTTCCTGAAAACCATTTTC-3'

ClinVar aggregate classification (germline): Likely benign (1 of 4 stars; one submission).

Allele frequency attached by ClinVar (database versions not stated): 1000 Genomes Project 0.01192; 1000 Genomes Project 30x 0.01311; gnomAD 0.01944 and 0.02038; TOPMed 0.02114.

Submission:

GeneDx
Classification: Likely benign. Last evaluated: 2018-06-14. Review status: criteria provided, single submitter. Criteria: GeneDx Variant Classification (06012015). Collection method: clinical testing. Allele origin: germline. Affected: yes.
Comment: This variant is considered likely benign or benign based on one or more of the following criteria: it is a conservative change, it occurs at a poorly conserved position in the protein, it is predicted to be benign by multiple in silico algorithms, and/or has population frequency not consistent with disease.